The following is an entry in ClinVar:

ClinVar aggregate classification (germline): Uncertain significance. Review status: criteria provided, multiple submitters, no conflicts (2 of 4 stars). 3 submissions from 3 submitters: Uncertain significance (3). Last evaluated 2024-05-13.

Conditions:
Inborn genetic diseases. Identifiers: MedGen C0950123, MeSH D030342.

Allele frequency attached by ClinVar (database versions not stated): gnomAD exomes below 0.00001 and 0.00001; TOPMed below 0.00001.
gnomAD v4.1: 2 of 1,614,088 alleles (0.00012%); highest among the groups gnomAD compares: East Asian, 0.0045%; no homozygotes.

Submissions (3):

Ambry Genetics
Classification: Uncertain significance for Inborn genetic diseases. Last evaluated: 2024-05-13. Review status: criteria provided, single submitter. Criteria: Ambry Variant Classification Scheme 2023. Collection method: clinical testing. Allele origin: germline.

Labcorp Genetics (formerly Invitae), Labcorp
Classification: Uncertain significance. Last evaluated: 2021-07-24. Review status: criteria provided, single submitter. Criteria: Invitae Variant Classification Sherloc (09022015). Collection method: clinical testing. Allele origin: germline.
Comment: Algorithms developed to predict the effect of missense changes on protein structure and function (SIFT, PolyPhen-2, Align-GVGD) all suggest that this variant is likely to be disruptive. This variant has not been reported in the literature in individuals affected with CNGA1-related conditions. This variant is not present in population databases (ExAC no frequency). This sequence change replaces isoleucine with threonine at codon 414 of the CNGA1 protein (p.Ile414Thr). The isoleucine residue is moderately conserved and there is a moderate physicochemical difference between isoleucine and threonine. In summary, the available evidence is currently insufficient to determine the role of this variant in disease. Therefore, it has been classified as a Variant of Uncertain Significance.

Blueprint Genetics
Classification: Uncertain significance. Last evaluated: 2019-08-08. Review status: criteria provided, single submitter. Criteria: ACMG Guidelines, 2015. Collection method: clinical testing. Allele origin: germline.

NM_001379270.1(CNGA1):c.1229T>C (p.Ile410Thr)

Genes: CNGA1 (cyclic nucleotide gated channel subunit alpha 1; minus strand), LOC101927157 (uncharacterized LOC101927157; plus strand). Cytogenetic location: 4p12.
Variant type: single nucleotide variant.
Coding change: c.1229T>C on transcript NM_001379270.1 (MANE Select); coding-DNA position 1229, T replaced by C.
Protein change: p.Ile410Thr; replaces isoleucine 410 with threonine.
Molecular consequence: missense variant.
Genome position (GRCh38, 1-based): chr4:47,937,253, A>G on the plus strand (T>C on the coding strand, the complement: CNGA1 is on the minus strand). VCF-style: chr4-47937253-A-G. GRCh37 (hg19) VCF-style: chr4-47939270-A-G.
Other names: c.1229T>C, p.Ile410Thr (NM_000087.5, NM_001142564.2); c.1241T>C (NM_000087.3); short protein forms I410T.
Identifiers: ClinVar variation 1369499 (VCV001369499.10), dbSNP rs1371928519, ClinGen allele CA356826491.